The following is an entry in ClinVar:

ClinVar aggregate classification (germline): Uncertain significance (1 of 4 stars; one submission).

Conditions:
Hereditary cancer-predisposing syndrome. Also called: Neoplastic Syndromes, Hereditary; Tumor predisposition; Hereditary neoplastic syndrome; Hereditary Cancer Syndrome. Identifiers: Orphanet 140162, MedGen C0027672, MeSH D009386, MONDO:0015356.
Cardiovascular phenotype. Identifiers: MedGen CN230736.

Submission:

Ambry Genetics
Classification: Uncertain significance for Cardiovascular phenotype; Hereditary cancer-predisposing syndrome. Last evaluated: 2024-02-12. Review status: criteria provided, single submitter. Criteria: Ambry Variant Classification Scheme 2023. Collection method: clinical testing. Allele origin: germline.
Comment: The p.A1387P variant (also known as c.4159G>C), located in coding exon 31 of the NF1 gene, results from a G to C substitution at nucleotide position 4159. The alanine at codon 1387 is replaced by proline, an amino acid with highly similar properties. This amino acid position is conserved. In addition, this alteration is predicted to be deleterious by in silico analysis. Based on the available evidence, the clinical significance of this alteration remains unclear.

NM_001042492.3(NF1):c.4222G>C (p.Ala1408Pro)

Gene: NF1 (neurofibromin 1; plus strand). Cytogenetic location: 17q11.2.
Variant type: single nucleotide variant.
Coding change: c.4222G>C on transcript NM_001042492.3 (MANE Select); coding-DNA position 4222, G replaced by C.
Protein change: p.Ala1408Pro; replaces alanine 1408 with proline.
Molecular consequence: missense variant.
Genome position (GRCh38, 1-based): chr17:31,258,392, G>C. VCF-style: chr17-31258392-G-C. GRCh37 (hg19) VCF-style: chr17-29585410-G-C.
Other names: c.4159G>C, p.Ala1387Pro (NM_000267.4); short protein forms A1387P, A1408P.
Identifiers: ClinVar variation 3237770 (VCV003237770.1), dbSNP rs2508408283.